The following is an entry in ClinVar:

ClinVar aggregate classification (germline): Benign. Review status: criteria provided, multiple submitters, no conflicts (2 of 4 stars). 6 submissions from 6 submitters: Benign (6). Last evaluated 2026-02-03.

Conditions:
Emery-Dreifuss muscular dystrophy 5, autosomal dominant (EDMD5). Also called: EMERY-DREIFUSS MUSCULAR DYSTROPHY 5. Identifiers: Orphanet 261, MedGen C2751805, MONDO:0013072, OMIM 612999.

Allele frequency attached by ClinVar (database versions not stated): 1000 Genomes Project 30x 0.67411; 1000 Genomes Project 0.68231; TOPMed 0.71947; ESP Exome Variant Server 0.74131.
gnomAD v4.1: 1,356,416 of 1,613,806 alleles (84%); highest among the groups gnomAD compares: Non-Finnish European, 88%; 577,937 homozygotes.

Submissions (6):

Labcorp Genetics (formerly Invitae), Labcorp
Classification: Benign for Emery-Dreifuss muscular dystrophy 5, autosomal dominant. Last evaluated: 2026-02-03. Review status: criteria provided, single submitter. Criteria: Invitae Variant Classification Sherloc (09022015). Collection method: clinical testing. Allele origin: germline.

Genome-Nilou Lab
Classification: Benign for Emery-Dreifuss muscular dystrophy 5, autosomal dominant. Last evaluated: 2021-07-15. Review status: criteria provided, single submitter. Criteria: ACMG Guidelines, 2015. Collection method: clinical testing. Allele origin: germline. Affected: no.

GeneDx
Classification: Benign. Last evaluated: 2018-07-09. Review status: criteria provided, single submitter. Criteria: GeneDx Variant Classification Process June 2021. Collection method: clinical testing. Allele origin: germline. Affected: yes.

Illumina Laboratory Services, Illumina
Classification: Benign for Emery-Dreifuss muscular dystrophy 5, autosomal dominant. Last evaluated: 2018-01-12. Review status: criteria provided, single submitter. Criteria: ICSL Variant Classification Criteria 13 December 2019. Collection method: clinical testing. Allele origin: germline.
Comment: This variant was observed in the ICSL laboratory as part of a predisposition screen in an ostensibly healthy population. It had not been previously curated by ICSL or reported in the Human Gene Mutation Database (HGMD: prior to June 1st, 2018), and was therefore a candidate for classification through an automated scoring system. Utilizing variant allele frequency, disease prevalence and penetrance estimates, and inheritance mode, an automated score was calculated to assess if this variant is too frequent to cause the disease. Based on the score and internal cut-off values, a variant classified as benign is not then subjected to further curation. The score for this variant resulted in a classification of benign for this disease.

Genetic Services Laboratory, University of Chicago
Classification: Benign for AllHighlyPenetrant. Last evaluated: 2013-08-15. Review status: criteria provided, single submitter. Criteria: ACMG Guidelines, 2007. Collection method: clinical testing. Allele origin: germline. Inheritance: Autosomal dominant inheritance.

Breakthrough Genomics
Classification: Benign. Review status: criteria provided, single submitter. Criteria: ACMG Guidelines, 2015. Collection method: not provided. Allele origin: germline. Inheritance: Autosomal dominant inheritance. Affected: yes.

NM_182914.3(SYNE2):c.9926A>G (p.His3309Arg)

Gene: SYNE2 (spectrin repeat containing nuclear envelope protein 2; plus strand). Cytogenetic location: 14q23.2.
Variant type: single nucleotide variant.
Coding change: c.9926A>G on transcript NM_182914.3 (MANE Select); coding-DNA position 9926, A replaced by G.
Protein change: p.His3309Arg; replaces histidine 3309 with arginine.
Molecular consequence: missense variant.
Genome position (GRCh38, 1-based): chr14:64,056,125, A>G. VCF-style: chr14-64056125-A-G. GRCh37 (hg19) VCF-style: chr14-64522843-A-G.
Other names: c.9926A>G, p.His3309Arg (NM_015180.6); short protein forms H3309R.
Identifiers: ClinVar variation 130521 (VCV000130521.23), dbSNP rs8010699, ClinGen allele CA155626.